The following is an entry in ClinVar:

NM_004618.5(TOP3A):c.814G>C (p.Val272Leu)

Gene: TOP3A (DNA topoisomerase III alpha; minus strand). Cytogenetic location: 17p11.2.
Variant type: single nucleotide variant.
Coding change: c.814G>C on transcript NM_004618.5 (MANE Select); coding-DNA position 814, G replaced by C.
Protein change: p.Val272Leu; replaces valine 272 with leucine.
Molecular consequence: missense variant.
Genome position (GRCh38, 1-based): chr17:18,302,264, C>G on the plus strand (G>C on the coding strand, the complement: TOP3A is on the minus strand). VCF-style: chr17-18302264-C-G. GRCh37 (hg19) VCF-style: chr17-18205578-C-G.
Other names: c.529G>C, p.Val177Leu (NM_001320759.2); c.814G>C (NM_004618.4); short protein forms V177L, V272L.
Identifiers: ClinVar variation 1896284 (VCV001896284.4), dbSNP rs369508573, ClinGen allele CA8430130.

ClinVar aggregate classification (germline): Uncertain significance. Review status: criteria provided, multiple submitters, no conflicts (2 of 4 stars). 2 submissions from 2 submitters: Uncertain significance (2). Last evaluated 2025-05-30.

Allele frequency attached by ClinVar (database versions not stated): gnomAD exomes 0.00001; ExAC 0.00005; gnomAD 0.00010; TOPMed 0.00011; ESP Exome Variant Server 0.00023.
gnomAD v4.1: 23 of 1,608,086 alleles (0.0014%); highest among the groups gnomAD compares: African/African-American, 0.028%; no homozygotes.

Submissions (2):

GeneDx
Classification: Uncertain significance. Last evaluated: 2025-05-30. Review status: criteria provided, single submitter. Criteria: GeneDx Variant Classification Process June 2021. Collection method: clinical testing. Allele origin: germline. Affected: yes.
Comment: In silico analysis suggests that this missense variant does not alter protein structure/function; In silico analysis is inconclusive as to whether the variant alters gene splicing. In the absence of RNA/functional studies, the actual effect of this sequence change is unknown.; Has not been previously published as pathogenic or benign to our knowledge

Labcorp Genetics (formerly Invitae), Labcorp
Classification: Uncertain significance. Last evaluated: 2022-06-04. Review status: criteria provided, single submitter. Criteria: Invitae Variant Classification Sherloc (09022015). Collection method: clinical testing. Allele origin: germline.
Comment: In summary, the available evidence is currently insufficient to determine the role of this variant in disease. Therefore, it has been classified as a Variant of Uncertain Significance. Variants that disrupt the consensus splice site are a relatively common cause of aberrant splicing (PMID: 17576681, 9536098). Algorithms developed to predict the effect of sequence changes on RNA splicing suggest that this variant may disrupt the consensus splice site. Algorithms developed to predict the effect of missense changes on protein structure and function are either unavailable or do not agree on the potential impact of this missense change (SIFT: "Not Available"; PolyPhen-2: "Probably Damaging"; Align-GVGD: "Not Available"). This variant has not been reported in the literature in individuals affected with TOP3A-related conditions. This variant is present in population databases (rs369508573, gnomAD 0.03%). This sequence change replaces valine, which is neutral and non-polar, with leucine, which is neutral and non-polar, at codon 272 of the TOP3A protein (p.Val272Leu). This variant also falls at the last nucleotide of exon 7, which is part of the consensus splice site for this exon.

Literature cited by the submitters: PubMed 17576681 (cited by Labcorp Genetics (formerly Invitae), Labcorp); PubMed 9536098 (cited by Labcorp Genetics (formerly Invitae), Labcorp).